The following is an entry in ClinVar:

ClinVar aggregate classification (germline): Uncertain significance (1 of 4 stars; one submission).

Conditions:
Inborn genetic diseases. Identifiers: MedGen C0950123, MeSH D030342.

gnomAD v4.1: 7 of 1,210,638 alleles (0.00058%); highest among the groups gnomAD compares: South Asian, 0.0053%; no homozygotes.

Submission:

Ambry Genetics
Classification: Uncertain significance for Inborn genetic diseases. Last evaluated: 2026-01-14. Review status: criteria provided, single submitter. Criteria: Ambry Variant Classification Scheme 2023. Collection method: clinical testing. Allele origin: germline.
Comment: The c.3964T>C (p.C1322R) alteration is located in exon 17 (coding exon 17) of the HCFC1 gene. This alteration results from a T to C substitution at nucleotide position 3964, causing the cysteine (C) at amino acid position 1322 to be replaced by an arginine (R). Based on data from gnomAD, the C allele has an overall frequency of 0.001% (1/181008) total alleles studied. The highest observed frequency was 0.005% (1/19058) of South Asian alleles. Based on insufficient or conflicting evidence, the clinical significance of this alteration remains unclear.

NM_005334.3(HCFC1):c.3964T>C (p.Cys1322Arg)

Gene: HCFC1 (host cell factor C1; minus strand). Cytogenetic location: Xq28.
Variant type: single nucleotide variant.
Coding change: c.3964T>C on transcript NM_005334.3 (MANE Select); coding-DNA position 3964, T replaced by C.
Protein change: p.Cys1322Arg; replaces cysteine 1322 with arginine.
Molecular consequence: missense variant.
Genome position (GRCh38, 1-based): chrX:153,954,435, A>G on the plus strand (T>C on the coding strand, the complement: HCFC1 is on the minus strand). VCF-style: chrX-153954435-A-G. GRCh37 (hg19) VCF-style: chrX-153219886-A-G.
Other names: c.3964T>C, p.Cys1322Arg (NM_001410705.1, NM_001440843.1, NM_001440844.1 and 5 more transcripts); c.3766T>C, p.Cys1256Arg (NM_001440850.1, NM_001440851.1); short protein forms C1322R, C1256R.
Identifiers: ClinVar variation 4839269 (VCV004839269.1).